The following is an entry in ClinVar:

ClinVar aggregate classification (germline): Uncertain significance. Review status: criteria provided, multiple submitters, no conflicts (2 of 4 stars). 3 submissions from 3 submitters: Uncertain significance (3). Last evaluated 2025-08-28.

Conditions:
Hyperaldosteronism, familial, type IV (HALD4). Also called: FH IV; ALDOSTERONISM, PRIMARY, AND HYPERTENSION. Identifiers: Orphanet 642671, MedGen C4310756, MONDO:0014875, OMIM 617027.
Idiopathic generalized epilepsy. Also called: Generalised epilepsy; EIG. Identifiers: MedGen C0270850, MONDO:0005579, OMIM 600669.

Allele frequency attached by ClinVar (database versions not stated): TOPMed 0.00001.
gnomAD v4.1: 4 of 1,225,580 alleles (0.00033%); highest among the groups gnomAD compares: Non-Finnish European, 0.00041%; no homozygotes.

Submissions (3):

Labcorp Genetics (formerly Invitae), Labcorp
Classification: Uncertain significance for Idiopathic generalized epilepsy; Hyperaldosteronism, familial, type IV. Last evaluated: 2025-08-28. Review status: criteria provided, single submitter. Criteria: Invitae Variant Classification Sherloc (09022015). Collection method: clinical testing. Allele origin: germline.
Comment: This sequence change replaces proline, which is neutral and non-polar, with serine, which is neutral and polar, at codon 14 of the CACNA1H protein (p.Pro14Ser). This variant is not present in population databases (gnomAD no frequency). This variant has not been reported in the literature in individuals affected with CACNA1H-related conditions. ClinVar contains an entry for this variant (Variation ID: 1435382). Invitae Evidence Modeling of protein sequence and biophysical properties (such as structural, functional, and spatial information, amino acid conservation, physicochemical variation, residue mobility, and thermodynamic stability) indicates that this missense variant is not expected to disrupt CACNA1H protein function with a negative predictive value of 95%. In summary, the available evidence is currently insufficient to determine the role of this variant in disease. Therefore, it has been classified as a Variant of Uncertain Significance.

GeneDx
Classification: Uncertain significance. Last evaluated: 2024-12-27. Review status: criteria provided, single submitter. Criteria: GeneDx Variant Classification Process June 2021. Collection method: clinical testing. Allele origin: germline. Affected: yes.
Comment: Not observed at significant frequency in large population cohorts (gnomAD); In silico analysis indicates that this missense variant does not alter protein structure/function; Has not been previously published as pathogenic or benign to our knowledge

Athena Diagnostics
Classification: Uncertain significance. Last evaluated: 2024-12-05. Review status: criteria provided, single submitter. Criteria: Athena Diagnostics Criteria. Collection method: clinical testing. Allele origin: unknown.
Comment: Available data are insufficient to determine the clinical significance of the variant at this time. This variant has not been reported in large, multi-ethnic general populations. Polyphen and MutationTaster predict this amino acid change may be benign.

NM_021098.3(CACNA1H):c.40C>T (p.Pro14Ser)

Gene: CACNA1H (calcium voltage-gated channel subunit alpha1 H; plus strand). Cytogenetic location: 16p13.3.
Variant type: single nucleotide variant.
Coding change: c.40C>T on transcript NM_021098.3 (MANE Select); coding-DNA position 40, C replaced by T.
Protein change: p.Pro14Ser; replaces proline 14 with serine.
Molecular consequence: missense variant.
Genome position (GRCh38, 1-based): chr16:1,153,777, C>T. VCF-style: chr16-1153777-C-T. GRCh37 (hg19) VCF-style: chr16-1203777-C-T.
Other names: c.40C>T, p.Pro14Ser (NM_001005407.2); c.40C>T (NM_021098.2); short protein forms P14S.
Identifiers: ClinVar variation 1435382 (VCV001435382.11), dbSNP rs1270361787, ClinGen allele CA394145336.
Genomic context (GRCh38, chr16:1,153,777, plus strand): 5'-CAGGTGCTGCCGGCCGCCACCATGACCGAGGGCGCACGGGCCGCCGACGAGGTCCGGGTG[C>T]CCCTGGGCGCGCCGCCCCCTGGCCCTGCGGCGTTGGTGGGGGCGTCCCCGGAGAGCCCCG-3'
Protein context (NP_066921.2, residues 4-24): GARAADEVRV[Pro14Ser]LGAPPPGPAA